The following is an entry in ClinVar:

ClinVar aggregate classification (germline): Pathogenic (1 of 4 stars; one submission).

Conditions:
Dyskeratosis congenita, autosomal recessive 6 (DKCB6). Identifiers: MedGen C4225356, MONDO:0014600, OMIM 616353.
Pulmonary fibrosis and/or bone marrow failure, Telomere-related, 4. Also called: PULMONARY FIBROSIS AND/OR BONE MARROW FAILURE SYNDROME, TELOMERE-RELATED, 4. Identifiers: Orphanet 2032, MedGen C4225347, MONDO:0014612, OMIM 616371.

gnomAD v4.1: 1 of 1,613,492 alleles (0.000062%); highest among the groups gnomAD compares: Non-Finnish European, 0.000085%; no homozygotes.

Submission:

Labcorp Genetics (formerly Invitae), Labcorp
Classification: Pathogenic for Dyskeratosis congenita, autosomal recessive 6; Pulmonary fibrosis and/or bone marrow failure, Telomere-related, 4. Last evaluated: 2024-07-19. Review status: criteria provided, single submitter. Criteria: Invitae Variant Classification Sherloc (09022015). Collection method: clinical testing. Allele origin: germline.
Comment: This sequence change creates a premature translational stop signal (p.Glu455*) in the PARN gene. It is expected to result in an absent or disrupted protein product. Loss-of-function variants in PARN are known to be pathogenic (PMID: 9736620, 25848748, 26810774). This variant is not present in population databases (gnomAD no frequency). This variant has not been reported in the literature in individuals affected with PARN-related conditions. For these reasons, this variant has been classified as Pathogenic.

Literature cited by the submitters: PubMed 9736620; PubMed 25848748; PubMed 26810774.

NM_002582.4(PARN):c.1363G>T (p.Glu455Ter)

Gene: PARN (poly(A)-specific ribonuclease; minus strand). Cytogenetic location: 16p13.12.
Variant type: single nucleotide variant.
Coding change: c.1363G>T on transcript NM_002582.4 (MANE Select); coding-DNA position 1363, G replaced by T.
Protein change: p.Glu455Ter; replaces glutamic acid 455 with a stop codon.
Molecular consequence: nonsense.
Genome position (GRCh38, 1-based): chr16:14,554,107, C>A on the plus strand (G>T on the coding strand, the complement: PARN is on the minus strand). VCF-style: chr16-14554107-C-A. GRCh37 (hg19) VCF-style: chr16-14647964-C-A.
Other names: c.1180G>T, p.Glu394Ter (NM_001134477.3); c.1225G>T, p.Glu409Ter (NM_001242992.2); short protein forms E394*, E409*, E455*.
Identifiers: ClinVar variation 3757296 (VCV003757296.2).
Genomic context (GRCh38, chr16:14,554,107, plus strand): 5'-TCTGAACTTGCGACTTACCAAAGGCACTGAAAAGCTGGTAAAGGTCGCTGGTTTTCCATT[C>A]TTTGGGGAATGTCACATGGAGAACATGATCACGTTTAGGCTGCACTACAAGACAAATTTA-3'